The following is an entry in ClinVar:

NM_017841.4(SDHAF2):c.261-2A>T

Gene: SDHAF2 (succinate dehydrogenase complex assembly factor 2; plus strand). Cytogenetic location: 11q12.2.
Variant type: single nucleotide variant.
Coding change: c.261-2A>T on transcript NM_017841.4 (MANE Select); the canonical splice acceptor site of the intron before coding-DNA position 261, A replaced by T.
Molecular consequence: splice acceptor variant.
Genome position (GRCh38, 1-based): chr11:61,438,002, A>T. VCF-style: chr11-61438002-A-T. GRCh37 (hg19) VCF-style: chr11-61205474-A-T.
Identifiers: ClinVar variation 660908 (VCV000660908.11), dbSNP rs745989557, ClinGen allele CA058251.

ClinVar aggregate classification (germline): Likely pathogenic. Review status: criteria provided, multiple submitters, no conflicts (2 of 4 stars). 4 submissions from 4 submitters: Likely pathogenic (4). Last evaluated 2026-05-15.

Conditions:
Hereditary cancer-predisposing syndrome. Also called: Hereditary neoplastic syndrome; Hereditary Cancer Syndrome; Tumor predisposition; Neoplastic Syndromes, Hereditary. Identifiers: Orphanet 140162, MedGen C0027672, MeSH D009386, MONDO:0015356.
Hereditary pheochromocytoma and paraganglioma. Also called: Hereditary paragangliomas and pheochromocytomas; Hereditary pheochromocytoma-paraganglioma; Hereditary Paraganglioma-Pheochromocytoma Syndromes. Identifiers: Orphanet 29072, MedGen C4274332, MONDO:0017366.
Pheochromocytoma/paraganglioma syndrome 2. Also called: GLOMUS TUMORS, FAMILIAL, 2; SDHAF2-Related Hereditary Paraganglioma-Pheochromocytoma Syndrome; SDHAF2-Related Hereditary Paraganglioma-Pheochromocytoma Syndrome (Paragangliomas 2); Paragangliomas 2. Identifiers: Orphanet 29072, MedGen C1866552, MONDO:0011121, OMIM 601650.

Allele frequency attached by ClinVar (database versions not stated): gnomAD exomes below 0.00001; ExAC 0.00002.
gnomAD v4.1: 4 of 1,613,038 alleles (0.00025%); highest among the groups gnomAD compares: Non-Finnish European, 0.00034%; no homozygotes.

Submissions (9):

Myriad Genetics, Inc.
Classification: Likely pathogenic for Pheochromocytoma/paraganglioma syndrome 2. Last evaluated: 2026-05-15. Review status: criteria provided, single submitter. Criteria: Myriad Autosomal Dominant, Autosomal Recessive and X-Linked Classification Criteria (2023). Collection method: clinical testing. Allele origin: unknown.
Comment: This variant is considered likely pathogenic. This variant occurs within a consensus splice junction and is predicted to result in abnormal mRNA splicing of either an out-of-frame exon or an in-frame exon necessary for protein stability and/or normal function.

GeneDx
Classification: Likely pathogenic. Last evaluated: 2026-01-31. Review status: criteria provided, single submitter. Criteria: GeneDx Variant Classification Process June 2021. Collection method: clinical testing. Allele origin: germline.
Comment: Canonical splice site variant predicted to result in a null allele in a gene for which loss of function is a known mechanism of disease; Not observed at significant frequency in large population cohorts (gnomAD); Has not been previously published as pathogenic or benign to our knowledge

Ambry Genetics
Classification: Likely pathogenic for Hereditary cancer-predisposing syndrome. Last evaluated: 2025-12-30. Review status: criteria provided, single submitter. Criteria: Ambry Variant Classification Scheme 2023. Collection method: clinical testing. Allele origin: germline.
Comment: The c.261-2A>T intronic variant results from an A to T substitution two nucleotides upstream from coding exon 3 in the SDHAF2 gene. This alteration occurs at the 3' terminus of the gene, is not expected to trigger nonsense-mediated mRNA decay, and impacts the last 48% of the protein. The exact functional effect of this alteration is unknown; however, a significant portion of the protein is affected, and the region predicted to be impacted is critical for protein function (Ambry internal data). This nucleotide position is highly conserved in available vertebrate species. In silico splice site analysis predicts that this alteration will weaken the native splice acceptor site and will result in the creation or strengthening of a novel splice acceptor site. Based on the majority of available evidence to date, this variant is likely to be pathogenic.

Labcorp Genetics (formerly Invitae), Labcorp
Classification: Likely pathogenic for Hereditary pheochromocytoma and paraganglioma. Last evaluated: 2024-04-03. Review status: criteria provided, single submitter. Criteria: Invitae Variant Classification Sherloc (09022015). Collection method: clinical testing. Allele origin: germline.
Comment: This sequence change affects an acceptor splice site in intron 2 of the SDHAF2 gene. It is expected to disrupt RNA splicing. Variants that disrupt the donor or acceptor splice site typically lead to a loss of protein function (PMID: 16199547), and loss-of-function variants in SDHAF2 are known to be pathogenic (PMID: 22241717, 26096992). The frequency data for this variant in the population databases is considered unreliable, as metrics indicate poor data quality at this position in the gnomAD database. This variant has not been reported in the literature in individuals affected with SDHAF2-related conditions. ClinVar contains an entry for this variant (Variation ID: 660908). Algorithms developed to predict the effect of sequence changes on RNA splicing suggest that this variant may disrupt the consensus splice site. In summary, the currently available evidence indicates that the variant is pathogenic, but additional data are needed to prove that conclusively. Therefore, this variant has been classified as Likely Pathogenic.

Dr. Peter K. Rogan Lab, Western University
No classification provided (evidence only). Condition: Clear cell carcinoma of kidney. Review status: no classification provided. Collection method: in vitro. Allele origin: not applicable. Functional consequence: skipped exon. Not counted in ClinVar's aggregate classification.

Dr. Peter K. Rogan Lab, Western University
No classification provided (evidence only). Condition: Glioma susceptibility 1. Review status: no classification provided. Collection method: in vitro. Allele origin: not applicable. Functional consequence: retained intron. Not counted in ClinVar's aggregate classification.

Dr. Peter K. Rogan Lab, Western University
No classification provided (evidence only). Condition: Glioma susceptibility 1. Review status: no classification provided. Collection method: in vitro. Allele origin: not applicable. Functional consequence: retained intron. Not counted in ClinVar's aggregate classification.

Dr. Peter K. Rogan Lab, Western University
No classification provided (evidence only). Condition: Glioma susceptibility 1. Review status: no classification provided. Collection method: in vitro. Allele origin: not applicable. Functional consequence: skipped exon. Not counted in ClinVar's aggregate classification.

Dr. Peter K. Rogan Lab, Western University
No classification provided (evidence only). Condition: Glioma susceptibility 1. Review status: no classification provided. Collection method: in vitro. Allele origin: not applicable. Functional consequence: skipped exon. Not counted in ClinVar's aggregate classification.

Literature cited by the submitters: PubMed 16199547 (cited by Labcorp Genetics (formerly Invitae), Labcorp); PubMed 22241717 (cited by Labcorp Genetics (formerly Invitae), Labcorp); PubMed 26096992 (cited by Labcorp Genetics (formerly Invitae), Labcorp).